The following is an entry in ClinVar:

ClinVar aggregate classification (germline): Uncertain significance (1 of 4 stars; one submission).

Allele frequency attached by ClinVar (database versions not stated): gnomAD exomes below 0.00001 and 0.00001; ExAC 0.00007.
gnomAD v4.1: 2 of 1,550,478 alleles (0.00013%); highest among the groups gnomAD compares: South Asian, 0.0024%; no homozygotes.

Submission:

GeneDx
Classification: Uncertain significance. Last evaluated: 2021-06-07. Review status: criteria provided, single submitter. Criteria: GeneDx Variant Classification Process June 2021. Collection method: clinical testing. Allele origin: germline. Affected: yes.
Comment: Not observed at significant frequency in large population cohorts (Lek et al., 2016); In silico analysis supports that this missense variant does not alter protein structure/function; Has not been previously published as pathogenic or benign to our knowledge; This variant is associated with the following publications: (PMID: 27535533)

NM_001292063.2(OTOG):c.358A>G (p.Asn120Asp)

Gene: OTOG (otogelin; plus strand). Cytogenetic location: 11p15.1.
Variant type: single nucleotide variant.
Coding change: c.358A>G on transcript NM_001292063.2 (MANE Select); coding-DNA position 358, A replaced by G.
Protein change: p.Asn120Asp; replaces asparagine 120 with aspartic acid.
Molecular consequence: missense variant.
Genome position (GRCh38, 1-based): chr11:17,553,184, A>G. VCF-style: chr11-17553184-A-G. GRCh37 (hg19) VCF-style: chr11-17574731-A-G.
Other names: c.394A>G, p.Asn132Asp (NM_001277269.2); short protein forms N120D, N132D.
Identifiers: ClinVar variation 1327635 (VCV001327635.2), dbSNP rs778084555, ClinGen allele CA5905340.
Genomic context (GRCh38, chr11:17,553,184, plus strand): 5'-TTCTCCTGCTTCAATGGAGGCGAGTGTGTGCACCCAGCCTTCTGTGACTGCAGACGCTTC[A>G]ATGCCACTGGACCGCGCTGCCAGATGGGTGGGTCTGGGCTCCACCCCACCCCCAGGAAGG-3'
Protein context (NP_001278992.1, residues 110-130): HPAFCDCRRF[Asn120Asp]ATGPRCQMVY